The following is an entry in ClinVar:

NM_000444.6(PHEX):c.2071-4C>G

Genes: PHEX (phosphate regulating endopeptidase homolog X-linked; plus strand), PTCHD1-AS (PTCHD1 antisense RNA (head to head); minus strand). Cytogenetic location: Xp22.11.
Variant type: single nucleotide variant.
Coding change: c.2071-4C>G on transcript NM_000444.6 (MANE Select); 4 bases into the intron before coding-DNA position 2071, C replaced by G.
Molecular consequence: intron variant.
Genome position (GRCh38, 1-based): chrX:22,245,329, C>G. VCF-style: chrX-22245329-C-G. GRCh37 (hg19) VCF-style: chrX-22263446-C-G.
Other names: c.2071-2522C>G (NM_001282754.2).
Identifiers: ClinVar variation 508219 (VCV000508219.1), dbSNP rs1556200956, ClinGen allele CA658799624.

ClinVar aggregate classification (germline): Likely benign (1 of 4 stars; one submission).

Submission:

GeneDx
Classification: Likely benign. Last evaluated: 2017-03-14. Review status: criteria provided, single submitter. Criteria: GeneDx Variant Classification (06012015). Collection method: clinical testing. Allele origin: germline. Affected: yes.
Comment: This variant is considered likely benign or benign based on one or more of the following criteria: it is a conservative change, it occurs at a poorly conserved position in the protein, it is predicted to be benign by multiple in silico algorithms, and/or has population frequency not consistent with disease.